The following is an entry in ClinVar:

NM_005199.5(CHRNG):c.895T>A (p.Ser299Thr)

Gene: CHRNG (cholinergic receptor nicotinic gamma subunit; plus strand). Cytogenetic location: 2q37.1.
Variant type: single nucleotide variant.
Coding change: c.895T>A on transcript NM_005199.5 (MANE Select); coding-DNA position 895, T replaced by A.
Protein change: p.Ser299Thr; replaces serine 299 with threonine.
Molecular consequence: missense variant.
Genome position (GRCh38, 1-based): chr2:232,543,364, T>A. VCF-style: chr2-232543364-T-A. GRCh37 (hg19) VCF-style: chr2-233408074-T-A.
Other names: short protein forms S299T.
Identifiers: ClinVar variation 1299633 (VCV001299633.1), dbSNP rs2106221995, ClinGen allele CA351013162.

ClinVar aggregate classification (germline): Likely pathogenic (1 of 4 stars; one submission).

Conditions:
Autosomal recessive multiple pterygium syndrome. Also called: MULTIPLE PTERYGIUM SYNDROME, ESCOBAR VARIANT; PTERYGIUM COLLI SYNDROME; PTERYGIUM SYNDROME; PTERYGIUM UNIVERSALE. Identifiers: Orphanet 2990, MedGen C0265261, MONDO:0009926, OMIM 265000.

Submission:

Laboratory of Medical Genetics, National & Kapodistrian University of Athens
Classification: Likely pathogenic for Autosomal recessive multiple pterygium syndrome. Last evaluated: 2021-10-01. Review status: criteria provided, single submitter. Criteria: ACMG Guidelines, 2015. Collection method: clinical testing. Allele origin: unknown. Affected: yes.
Comment: PM2, PM3, PP3, PP4